The following is an entry in ClinVar:

NM_006642.5(SDCCAG8):c.1068+1G>T

Gene: SDCCAG8 (SHH signaling and ciliogenesis regulator SDCCAG8; plus strand). Cytogenetic location: 1q43.
Variant type: single nucleotide variant.
Coding change: c.1068+1G>T on transcript NM_006642.5 (MANE Select); the canonical splice donor site of the intron after coding-DNA position 1068, G replaced by T.
Molecular consequence: splice donor variant.
Genome position (GRCh38, 1-based): chr1:243,316,894, G>T. VCF-style: chr1-243316894-G-T. GRCh37 (hg19) VCF-style: chr1-243480196-G-T.
Other names: c.774+1G>T (NM_001350249.2); c.165+1G>T (NM_001350251.2, NM_001350246.2, NM_001350247.2); c.1164+1G>T (NM_001350248.2).
Identifiers: ClinVar variation 3753397 (VCV003753397.2).

ClinVar aggregate classification (germline): Pathogenic (1 of 4 stars; one submission).

Conditions:
Bardet-Biedl syndrome 16 (BBS16). Identifiers: Orphanet 110, MedGen C3889474, MONDO:0014444, OMIM 615993.
Senior-Loken syndrome 7 (SLSN7). Identifiers: Orphanet 3156, MedGen C3150877, MONDO:0013326, OMIM 613615.

gnomAD v4.1: 2 of 1,613,894 alleles (0.00012%); highest among the groups gnomAD compares: Non-Finnish European, 0.00017%; no homozygotes.

Submission:

Labcorp Genetics (formerly Invitae), Labcorp
Classification: Pathogenic for Bardet-Biedl syndrome 16; Senior-Loken syndrome 7. Last evaluated: 2024-04-03. Review status: criteria provided, single submitter. Criteria: Invitae Variant Classification Sherloc (09022015). Collection method: clinical testing. Allele origin: germline.
Comment: This sequence change affects a donor splice site in intron 9 of the SDCCAG8 gene. It is expected to disrupt RNA splicing. Variants that disrupt the donor or acceptor splice site typically lead to a loss of protein function (PMID: 16199547), and loss-of-function variants in SDCCAG8 are known to be pathogenic (PMID: 20835237, 22190896). This variant is not present in population databases (gnomAD no frequency). Disruption of this splice site has been observed in individuals with clinical features of SDCCAG8-related conditions (PMID: 20835237, 35140360). Algorithms developed to predict the effect of sequence changes on RNA splicing suggest that this variant may disrupt the consensus splice site. For these reasons, this variant has been classified as Pathogenic.

Literature cited by the submitters: PubMed 16199547; PubMed 20835237; PubMed 22190896; PubMed 35140360.